The following is an entry in ClinVar:

ClinVar aggregate classification (germline): Uncertain significance (1 of 4 stars; one submission).

Allele frequency attached by ClinVar (database versions not stated): gnomAD exomes below 0.00001 and 0.00003; ExAC 0.00001; TOPMed 0.00002; gnomAD 0.00003.
gnomAD v4.1: 48 of 1,609,768 alleles (0.003%); highest among the groups gnomAD compares: Non-Finnish European, 0.0039%; no homozygotes.

Submission:

Labcorp Genetics (formerly Invitae), Labcorp
Classification: Uncertain significance. Last evaluated: 2024-01-04. Review status: criteria provided, single submitter. Criteria: Invitae Variant Classification Sherloc (09022015). Collection method: clinical testing. Allele origin: germline.
Comment: This sequence change replaces glycine, which is neutral and non-polar, with glutamic acid, which is acidic and polar, at codon 349 of the ZCCHC8 protein (p.Gly349Glu). The frequency data for this variant in the population databases is considered unreliable, as metrics indicate poor data quality at this position in the gnomAD database. This variant has not been reported in the literature in individuals affected with ZCCHC8-related conditions. ClinVar contains an entry for this variant (Variation ID: 1445720). Advanced modeling of protein sequence and biophysical properties (such as structural, functional, and spatial information, amino acid conservation, physicochemical variation, residue mobility, and thermodynamic stability) performed at Invitae indicates that this missense variant is not expected to disrupt ZCCHC8 protein function with a negative predictive value of 80%. In summary, the available evidence is currently insufficient to determine the role of this variant in disease. Therefore, it has been classified as a Variant of Uncertain Significance.

NM_017612.5(ZCCHC8):c.1046G>A (p.Gly349Glu)

Gene: ZCCHC8 (zinc finger CCHC-type containing 8; minus strand). Cytogenetic location: 12q24.31.
Variant type: single nucleotide variant.
Coding change: c.1046G>A on transcript NM_017612.5 (MANE Select); coding-DNA position 1046, G replaced by A.
Protein change: p.Gly349Glu; replaces glycine 349 with glutamic acid.
Molecular consequence: missense variant.
Genome position (GRCh38, 1-based): chr12:122,480,284, C>T on the plus strand (G>A on the coding strand, the complement: ZCCHC8 is on the minus strand). VCF-style: chr12-122480284-C-T. GRCh37 (hg19) VCF-style: chr12-122964831-C-T.
Other names: c.815G>A, p.Gly272Glu (NM_001350935.2); c.749G>A, p.Gly250Glu (NM_001350936.2); c.332G>A, p.Gly111Glu (NM_001350937.2, NM_001350938.2); short protein forms G111E, G250E, G272E, G349E.
Identifiers: ClinVar variation 1445720 (VCV001445720.8), dbSNP rs765811286, ClinGen allele CA6846295.
Genomic context (GRCh38, chr12:122,480,284, plus strand): 5'-CCAGGATAGTTGACCAATTTTGAGAGATCGTAAGTGACACTTTTATTCTGTTGTATTTCT[C>T]CAACTTCTGTTTCCCCATCAGTGCCATCTATTACAGACCATAAAAAGTGTTAATATTGCT-3'
Protein context (NP_060082.2, residues 339-359): KDGTDGETEV[Gly349Glu]EIQQNKSVTY